The following is an entry in ClinVar:

NC_012920.1(MT-TI):m.4314T>C

Gene: MT-TI (mitochondrially encoded tRNA isoleucine; plus strand).
Variant type: single nucleotide variant.
Genome position: chrM-4314-T-C.
Identifiers: ClinVar variation 689879 (VCV000689879.1), dbSNP rs1603219401, ClinGen allele CA913177697.

ClinVar aggregate classification (germline): Benign (1 of 4 stars; one submission).

Conditions:
MELAS syndrome (MELAS). Also called: Juvenile myopathy, encephalopathy, lactic acidosis, stroke. Identifiers: Orphanet 550, MedGen C0162671, MONDO:0010789, OMIM 540000.

Submission:

Wong Mito Lab, Molecular and Human Genetics, Baylor College of Medicine
Classification: Benign for MELAS syndrome. Last evaluated: 2019-07-12. Review status: criteria provided, single submitter. Criteria: Modified ACMG Guidelines (Unpublished). Collection method: clinical testing. Allele origin: germline.
Comment: The NC_012920.1:m.4314T>C variant in MT-TI gene is interpreted to be a Benign variant based on the modified ACMG guidelines (unpublished). This variant meets the following evidence codes reported in the guidelines: BS1, BS4, BP4

Literature cited by the submitters: PubMed 31965079.